The following is an entry in ClinVar:

NM_000110.4(DPYD):c.1340-3C>G

Gene: DPYD (dihydropyrimidine dehydrogenase; minus strand). Cytogenetic location: 1p21.3.
Variant type: single nucleotide variant.
Coding change: c.1340-3C>G on transcript NM_000110.4 (MANE Select); 3 bases into the intron before coding-DNA position 1340, C replaced by G.
Molecular consequence: intron variant.
Genome position (GRCh38, 1-based): chr1:97,549,747, G>C on the plus strand (C>G on the coding strand, the complement: DPYD is on the minus strand). VCF-style: chr1-97549747-G-C. GRCh37 (hg19) VCF-style: chr1-98015303-G-C.
Identifiers: ClinVar variation 161459 (VCV000161459.2), dbSNP rs193920862, ClinGen allele CA174076.

ClinVar aggregate classification (germline): Uncertain significance (0 of 4 stars; one submission).

Conditions:
Prostate cancer. Also called: Malignant tumor of prostate. Identifiers: Orphanet 1331, MedGen C0376358, MONDO:0008315, HP:0012125.

Submission:

Science for Life laboratory,  Karolinska Institutet
Classification: Uncertain significance for Malignant tumor of prostate. Review status: no assertion criteria provided. Collection method: not provided. Allele origin: somatic.
Comment: TumorID:SWE-16
ClinVar note: Converted during submission from Unknown to Uncertain significance.